The following is an entry in ClinVar:

ClinVar aggregate classification (germline): Uncertain significance (1 of 4 stars; one submission).

Allele frequency attached by ClinVar (database versions not stated): TOPMed 0.00006; gnomAD 0.00010; 1000 Genomes Project 0.00060; 1000 Genomes Project 30x 0.00094.
gnomAD v4.1: 64 of 1,613,260 alleles (0.004%); highest among the groups gnomAD compares: East Asian, 0.02%; no homozygotes.

Submission:

Labcorp Genetics (formerly Invitae), Labcorp
Classification: Uncertain significance. Last evaluated: 2025-02-19. Review status: criteria provided, single submitter. Criteria: Invitae Variant Classification Sherloc (09022015). Collection method: clinical testing. Allele origin: germline.
Comment: This sequence change falls in intron 7 of the SYT2 gene. It does not directly change the encoded amino acid sequence of the SYT2 protein. It affects a nucleotide within the consensus splice site. This variant is present in population databases (rs200553744, gnomAD 0.01%). This variant has not been reported in the literature in individuals affected with SYT2-related conditions. ClinVar contains an entry for this variant (Variation ID: 2072654). Variants that disrupt the consensus splice site are a relatively common cause of aberrant splicing (PMID: 17576681, 9536098). Algorithms developed to predict the effect of sequence changes on RNA splicing suggest that this variant is not likely to affect RNA splicing. In summary, the available evidence is currently insufficient to determine the role of this variant in disease. Therefore, it has been classified as a Variant of Uncertain Significance.

Literature cited by the submitters: PubMed 17576681; PubMed 9536098.

NM_177402.5(SYT2):c.919+4C>T

Gene: SYT2 (synaptotagmin 2; minus strand). Cytogenetic location: 1q32.1.
Variant type: single nucleotide variant.
Coding change: c.919+4C>T on transcript NM_177402.5 (MANE Select); 4 bases into the intron after coding-DNA position 919, C replaced by T.
Molecular consequence: intron variant.
Genome position (GRCh38, 1-based): chr1:202,600,353, G>A on the plus strand (C>T on the coding strand, the complement: SYT2 is on the minus strand). VCF-style: chr1-202600353-G-A. GRCh37 (hg19) VCF-style: chr1-202569481-G-A.
Other names: c.919+4C>T (NM_001136504.1).
Identifiers: ClinVar variation 2072654 (VCV002072654.4), dbSNP rs200553744, ClinGen allele CA1333668.